The following is an entry in ClinVar:

ClinVar aggregate classification (germline): Uncertain significance (1 of 4 stars; one submission).

Allele frequency attached by ClinVar (database versions not stated): gnomAD exomes below 0.00001.

Submission:

Labcorp Genetics (formerly Invitae), Labcorp
Classification: Uncertain significance. Last evaluated: 2024-01-10. Review status: criteria provided, single submitter. Criteria: Invitae Variant Classification Sherloc (09022015). Collection method: clinical testing. Allele origin: germline.
Comment: This sequence change creates a premature translational stop signal (p.Trp394*) in the MOCS3 gene. While this is not anticipated to result in nonsense mediated decay, it is expected to disrupt the last 67 amino acid(s) of the MOCS3 protein. This variant is not present in population databases (gnomAD no frequency). This variant has not been reported in the literature in individuals affected with MOCS3-related conditions. Experimental studies and prediction algorithms are not available or were not evaluated, and the functional significance of this variant is currently unknown. In summary, the available evidence is currently insufficient to determine the role of this variant in disease. Therefore, it has been classified as a Variant of Uncertain Significance.

NM_014484.5(MOCS3):c.1182G>A (p.Trp394Ter)

Gene: MOCS3 (molybdenum cofactor synthesis 3; plus strand). Cytogenetic location: 20q13.13.
Variant type: single nucleotide variant.
Coding change: c.1182G>A on transcript NM_014484.5 (MANE Select); coding-DNA position 1182, G replaced by A.
Protein change: p.Trp394Ter; replaces tryptophan 394 with a stop codon.
Molecular consequence: nonsense.
Genome position (GRCh38, 1-based): chr20:50,960,024, G>A. VCF-style: chr20-50960024-G-A. GRCh37 (hg19) VCF-style: chr20-49576561-G-A.
Other names: short protein forms W394*.
Identifiers: ClinVar variation 2726436 (VCV002726436.3), dbSNP rs2515745190, ClinGen allele CA408986575.